The following is an entry in ClinVar:

NM_018248.3(NEIL3):c.756T>C (p.Pro252=)

Gene: NEIL3 (nei like DNA glycosylase 3; plus strand). Cytogenetic location: 4q34.3.
Variant type: single nucleotide variant.
Coding change: c.756T>C on transcript NM_018248.3 (MANE Select); coding-DNA position 756, T replaced by C.
Protein change: p.Pro252=; no amino-acid change (proline 252 retained).
Molecular consequence: synonymous variant.
Genome position (GRCh38, 1-based): chr4:177,341,529, T>C. VCF-style: chr4-177341529-T-C. GRCh37 (hg19) VCF-style: chr4-178262683-T-C.
Identifiers: ClinVar variation 2688484 (VCV002688484.2), dbSNP rs17676249, ClinGen allele CA3146390.

ClinVar aggregate classification (germline): Benign (1 of 4 stars; one submission).

Allele frequency attached by ClinVar (database versions not stated): 1000 Genomes Project 0.14537; 1000 Genomes Project 30x 0.14569; ExAC 0.18031; TOPMed 0.18689; gnomAD 0.18820; ESP Exome Variant Server 0.19914; gnomAD exomes 0.19941.
gnomAD v4.1: 320,043 of 1,612,862 alleles (20%); highest among the groups gnomAD compares: Non-Finnish European, 21%; 32,794 homozygotes.

Submission:

Unidad de Genómica Garrahan, Hospital de Pediatría Garrahan
Classification: Benign. Last evaluated: 2024-01-24. Review status: criteria provided, single submitter. Criteria: ACMG Guidelines, 2015. Collection method: clinical testing. Allele origin: germline. Affected: no. Observed: 21 variant alleles.
Comment: This variant is classified as Benign based on local population frequency. This variant was detected in 24% of patients studied by a panel of primary immunodeficiencies. Number of patients: 21. Only high quality variants are reported.